The following is an entry in ClinVar:

ClinVar aggregate classification (germline): Benign. Review status: criteria provided, multiple submitters, no conflicts (2 of 4 stars). 2 submissions from 2 submitters: Benign (2). Last evaluated 2018-06-14.

Allele frequency attached by ClinVar (database versions not stated): TOPMed 0.99765; gnomAD 0.99778 and 0.99796; 1000 Genomes Project 30x 0.99859; 1000 Genomes Project 0.99900.
gnomAD v4.1: 152,007 of 152,312 alleles (100%); highest among the groups gnomAD compares: Middle Eastern, 100%; 75,852 homozygotes.

Submissions (2):

GeneDx
Classification: Benign. Last evaluated: 2018-06-14. Review status: criteria provided, single submitter. Criteria: GeneDx Variant Classification (06012015). Collection method: clinical testing. Allele origin: germline. Affected: yes.
Comment: This variant is considered likely benign or benign based on one or more of the following criteria: it is a conservative change, it occurs at a poorly conserved position in the protein, it is predicted to be benign by multiple in silico algorithms, and/or has population frequency not consistent with disease.

Breakthrough Genomics
Classification: Benign. Review status: criteria provided, single submitter. Criteria: ACMG Guidelines, 2015. Collection method: not provided. Allele origin: germline. Inheritance: Autosomal recessive inheritance. Affected: yes.

NM_000218.3(KCNQ1):c.1732+186A>G

Gene: KCNQ1 (potassium voltage-gated channel subfamily Q member 1; plus strand). Cytogenetic location: 11p15.5.
Variant type: single nucleotide variant.
Coding change: c.1732+186A>G on transcript NM_000218.3 (MANE Select); 186 bases into the intron after coding-DNA position 1732, A replaced by G.
Molecular consequence: intron variant.
Genome position (GRCh38, 1-based): chr11:2,777,218, A>G. VCF-style: chr11-2777218-A-G. GRCh37 (hg19) VCF-style: chr11-2798448-A-G.
Other names: c.1462+186A>G (NM_001406837.1); c.1636+186A>G (NM_001406836.1); c.1192+186A>G (NM_001406838.1); c.1351+186A>G (NM_181798.2).
Identifiers: ClinVar variation 671898 (VCV000671898.4), dbSNP rs163148, ClinGen allele CA216321466.